The following is an entry in ClinVar:

ClinVar aggregate classification (germline): Likely benign (0 of 4 stars; one submission).

Conditions:
PLD1-related disorder. Also called: PLD1-related condition.

Allele frequency attached by ClinVar (database versions not stated): TOPMed 0.00001; gnomAD 0.00002.
gnomAD v4.1: 72 of 1,613,896 alleles (0.0045%); highest among the groups gnomAD compares: Non-Finnish European, 0.006%; no homozygotes.

Submission:

PreventionGenetics, part of Exact Sciences
Classification: Likely benign for PLD1-related condition. Last evaluated: 2019-05-28. Review status: no assertion criteria provided. Collection method: clinical testing. Allele origin: germline.
Comment: This variant is classified as likely benign based on ACMG/AMP sequence variant interpretation guidelines (Richards et al. 2015 PMID: 25741868, with internal and published modifications).

NM_002662.5(PLD1):c.1959C>T (p.Val653=)

Gene: PLD1 (phospholipase D1; minus strand). Cytogenetic location: 3q26.31.
Variant type: single nucleotide variant.
Coding change: c.1959C>T on transcript NM_002662.5 (MANE Select); coding-DNA position 1959, C replaced by T.
Protein change: p.Val653=; no amino-acid change (valine 653 retained).
Molecular consequence: synonymous variant.
Genome position (GRCh38, 1-based): chr3:171,677,603, G>A on the plus strand (C>T on the coding strand, the complement: PLD1 is on the minus strand). VCF-style: chr3-171677603-G-A. GRCh37 (hg19) VCF-style: chr3-171395393-G-A.
Other names: c.1845C>T, p.Val615= (NM_001130081.3).
Identifiers: ClinVar variation 3039085 (VCV003039085.2), dbSNP rs765929750, ClinGen allele CA87724513.